The following is an entry in ClinVar:

NM_014846.4(WASHC5):c.2098-13G>A

Gene: WASHC5 (WASH complex subunit 5; minus strand). Cytogenetic location: 8q24.13.
Variant type: single nucleotide variant.
Coding change: c.2098-13G>A on transcript NM_014846.4 (MANE Select); 13 bases into the intron before coding-DNA position 2098, G replaced by A.
Molecular consequence: intron variant.
Genome position (GRCh38, 1-based): chr8:125,050,678, C>T on the plus strand (G>A on the coding strand, the complement: WASHC5 is on the minus strand). VCF-style: chr8-125050678-C-T. GRCh37 (hg19) VCF-style: chr8-126062920-C-T.
Other names: c.1654-13G>A (NM_001330609.2).
Identifiers: ClinVar variation 361718 (VCV000361718.14), dbSNP rs375720047, ClinGen allele CA4873612.

ClinVar aggregate classification (germline): Likely benign. Review status: criteria provided, multiple submitters, no conflicts (2 of 4 stars). 5 submissions from 5 submitters: Likely benign (5). Last evaluated 2025-10-28.

Conditions:
Hereditary spastic paraplegia 8 (SPG8). Also called: SPASTIC PARAPLEGIA 8, AUTOSOMAL DOMINANT. Identifiers: Orphanet 100989, MedGen C1863704, MONDO:0011339, OMIM 603563.
Ritscher-Schinzel syndrome. Also called: CRANIOCEREBELLOCARDIAC DYSPLASIA. Identifiers: Orphanet 7, MedGen C0796137, MONDO:0019078.

Allele frequency attached by ClinVar (database versions not stated): gnomAD exomes 0.00015 and 0.00012; ExAC 0.00016; TOPMed 0.00017; ESP Exome Variant Server 0.00031; gnomAD 0.00011 and 0.00015.
gnomAD v4.1: 196 of 1,601,610 alleles (0.012%); highest among the groups gnomAD compares: Middle Eastern, 0.099%; no homozygotes.

Submissions (5):

Women's Health and Genetics/Laboratory Corporation of America, LabCorp
Classification: Likely benign. Last evaluated: 2025-10-28. Review status: criteria provided, single submitter. Criteria: LabCorp Variant Classification Summary - May 2015. Collection method: clinical testing. Allele origin: germline.

Labcorp Genetics (formerly Invitae), Labcorp
Classification: Likely benign for Ritscher-Schinzel syndrome; Hereditary spastic paraplegia 8. Last evaluated: 2025-07-31. Review status: criteria provided, single submitter. Criteria: Invitae Variant Classification Sherloc (09022015). Collection method: clinical testing. Allele origin: germline.

Blueprint Genetics
Classification: Likely benign. Last evaluated: 2024-05-08. Review status: criteria provided, single submitter. Criteria: ACMG Guidelines, 2015. Collection method: clinical testing. Allele origin: germline.

Illumina Laboratory Services, Illumina
Classification: Likely benign for Hereditary spastic paraplegia 8. Last evaluated: 2018-01-13. Review status: criteria provided, single submitter. Criteria: ICSL Variant Classification Criteria 13 December 2019. Collection method: clinical testing. Allele origin: germline.
Comment: This variant was observed in the ICSL laboratory as part of a predisposition screen in an ostensibly healthy population. It had not been previously curated by ICSL or reported in the Human Gene Mutation Database (HGMD: prior to June 1st, 2018), and was therefore a candidate for classification through an automated scoring system. Utilizing variant allele frequency, disease prevalence and penetrance estimates, and inheritance mode, an automated score was calculated to assess if this variant is too frequent to cause the disease. Based on the score and internal cut-off values, a variant classified as likely benign is not then subjected to further curation. The score for this variant resulted in a classification of likely benign for this disease.

GeneDx
Classification: Likely benign. Last evaluated: 2017-03-28. Review status: criteria provided, single submitter. Criteria: GeneDx Variant Classification (06012015). Collection method: clinical testing. Allele origin: germline. Affected: yes.
Comment: This variant is considered likely benign or benign based on one or more of the following criteria: it is a conservative change, it occurs at a poorly conserved position in the protein, it is predicted to be benign by multiple in silico algorithms, and/or has population frequency not consistent with disease.